The following is an entry in ClinVar:

NM_030773.4(TUBB1):c.230G>A (p.Arg77Gln)

Gene: TUBB1 (tubulin beta 1 class VI; plus strand). Cytogenetic location: 20q13.32.
Variant type: single nucleotide variant.
Coding change: c.230G>A on transcript NM_030773.4 (MANE Select); coding-DNA position 230, G replaced by A.
Protein change: p.Arg77Gln; replaces arginine 77 with glutamine.
Molecular consequence: missense variant.
Genome position (GRCh38, 1-based): chr20:59,023,553, G>A. VCF-style: chr20-59023553-G-A. GRCh37 (hg19) VCF-style: chr20-57598608-G-A.
Other names: short protein forms R77Q.
Identifiers: ClinVar variation 1338272 (VCV001338272.8), dbSNP rs572988631, ClinGen allele CA9928425.

ClinVar aggregate classification (germline): Conflicting classifications of pathogenicity. Review status: criteria provided, conflicting classifications (1 of 4 stars). 2 submissions from 2 submitters: Likely pathogenic (1); Uncertain significance (1). Last evaluated 2024-10-21.

Allele frequency attached by ClinVar (database versions not stated): TOPMed 0.00001.
gnomAD v4.1: 8 of 1,614,146 alleles (0.0005%); highest among the groups gnomAD compares: Admixed American, 0.0033%; no homozygotes.

Submissions (2):

Labcorp Genetics (formerly Invitae), Labcorp
Classification: Uncertain significance. Last evaluated: 2024-10-21. Review status: criteria provided, single submitter. Criteria: Invitae Variant Classification Sherloc (09022015). Collection method: clinical testing. Allele origin: germline.
Comment: This sequence change replaces arginine, which is basic and polar, with glutamine, which is neutral and polar, at codon 77 of the TUBB1 protein (p.Arg77Gln). This variant is present in population databases (rs572988631, gnomAD 0.003%). This variant has not been reported in the literature in individuals affected with TUBB1-related conditions. ClinVar contains an entry for this variant (Variation ID: 1338272). Invitae Evidence Modeling of protein sequence and biophysical properties (such as structural, functional, and spatial information, amino acid conservation, physicochemical variation, residue mobility, and thermodynamic stability) indicates that this missense variant is not expected to disrupt TUBB1 protein function with a negative predictive value of 80%. In summary, the available evidence is currently insufficient to determine the role of this variant in disease. Therefore, it has been classified as a Variant of Uncertain Significance.

Genetic Services Laboratory, University of Chicago
Classification: Likely pathogenic. Last evaluated: 2017-09-15. Review status: criteria provided, single submitter. Criteria: ACMG Guidelines, 2015. Collection method: clinical testing. Allele origin: germline. Affected: yes.